The following is an entry in ClinVar:

ClinVar aggregate classification (germline): Uncertain significance (1 of 4 stars; one submission).

Submission:

Labcorp Genetics (formerly Invitae), Labcorp
Classification: Uncertain significance. Last evaluated: 2021-10-04. Review status: criteria provided, single submitter. Criteria: Invitae Variant Classification Sherloc (09022015). Collection method: clinical testing. Allele origin: germline.
Comment: In summary, the available evidence is currently insufficient to determine the role of this variant in disease. Therefore, it has been classified as a Variant of Uncertain Significance. Algorithms developed to predict the effect of missense changes on protein structure and function are either unavailable or do not agree on the potential impact of this missense change (SIFT: "Tolerated"; PolyPhen-2: "Probably Damaging"; Align-GVGD: "Class C0"). This variant has not been reported in the literature in individuals affected with VPS13C-related conditions. This variant is not present in population databases (ExAC no frequency). This sequence change replaces serine with asparagine at codon 2053 of the VPS13C protein (p.Ser2053Asn). The serine residue is moderately conserved and there is a small physicochemical difference between serine and asparagine.

NM_020821.3(VPS13C):c.6158G>A (p.Ser2053Asn)

Gene: VPS13C (vacuolar protein sorting 13 homolog C; minus strand). Cytogenetic location: 15q22.2.
Variant type: single nucleotide variant.
Coding change: c.6158G>A on transcript NM_020821.3 (MANE Select); coding-DNA position 6158, G replaced by A.
Protein change: p.Ser2053Asn; replaces serine 2053 with asparagine.
Molecular consequence: missense variant.
Genome position (GRCh38, 1-based): chr15:61,929,629, C>T on the plus strand (G>A on the coding strand, the complement: VPS13C is on the minus strand). VCF-style: chr15-61929629-C-T. GRCh37 (hg19) VCF-style: chr15-62221828-C-T.
Other names: c.6158G>A, p.Ser2053Asn (NM_001018088.3); c.6029G>A, p.Ser2010Asn (NM_017684.5, NM_018080.4); short protein forms S2010N, S2053N.
Identifiers: ClinVar variation 1464405 (VCV001464405.6), dbSNP rs2140217358, ClinGen allele CA392687407.